The following is an entry in ClinVar:

NM_139058.3(ARX):c.304_345dup (p.Ala102_Ala115dup)

Genes: ARX (aristaless related homeobox; minus strand), LOC109610631 (aristaless related homeobox polyalanine expansion region; plus strand). Cytogenetic location: Xp21.3.
Variant type: Duplication.
Coding change: c.304_345dup on transcript NM_139058.3 (MANE Select); coding-DNA positions 304 to 345, 42 bases duplicated.
Protein change: p.Ala102_Ala115dup.
Molecular consequence: inframe insertion.
Genome position (GRCh38, 1-based): chrX:25,013,650-25,013,691, 42 bases duplicated. GRCh37 (hg19): chrX:25,031,767-25,031,808.
Other names: c.304_345dupGCGGCGGCGGCGGCGGCGGCGGCGGCGGCGGCAGCGGCCGCC (NM_139058.2).
Identifiers: ClinVar variation 424509 (VCV000424509.2), dbSNP rs1556056354, ClinGen allele CA16621352.

ClinVar aggregate classification (germline): Pathogenic (1 of 4 stars; one submission).

Submission:

GeneDx
Classification: Pathogenic. Last evaluated: 2017-03-24. Review status: criteria provided, single submitter. Criteria: GeneDx Variant Classification (06012015). Collection method: clinical testing. Allele origin: germline. Affected: yes.
Comment: The c.304_345dup42 variant in the ARX gene results in an in-frame duplication of 14 Alanine residues in the first polyalanine tract of ARX, denoted p.Ala102_Ala115dup. Although this variant has not been reported previously to our knowledge, multiple in-frame duplications have been reported in the Human Gene Mutation Database in association with ARX-related disorders (Stenson et al., 2014). Additionally, functional studies suggest that expansions in this region impact the ability of the ARX protein to regulate KDM5C (Poeta et al., 2013).